The following is an entry in ClinVar:

NM_005120.3(MED12):c.299A>T (p.Asp100Val)

Gene: MED12 (mediator complex subunit 12; plus strand). Cytogenetic location: Xq13.1.
Variant type: single nucleotide variant.
Coding change: c.299A>T on transcript NM_005120.3 (MANE Select); coding-DNA position 299, A replaced by T.
Protein change: p.Asp100Val; replaces aspartic acid 100 with valine.
Molecular consequence: missense variant.
Genome position (GRCh38, 1-based): chrX:71,119,780, A>T. VCF-style: chrX-71119780-A-T. GRCh37 (hg19) VCF-style: chrX-70339630-A-T.
Other names: short protein forms D100V.
Identifiers: ClinVar variation 2750218 (VCV002750218.3), dbSNP rs2519662513, ClinGen allele CA413499239.

ClinVar aggregate classification (germline): Uncertain significance (1 of 4 stars; one submission).

Conditions:
FG syndrome (FGS). Identifiers: MedGen C0220769, MONDO:0002010.

Submission:

Labcorp Genetics (formerly Invitae), Labcorp
Classification: Uncertain significance for FG syndrome. Last evaluated: 2023-08-04. Review status: criteria provided, single submitter. Criteria: Invitae Variant Classification Sherloc (09022015). Collection method: clinical testing. Allele origin: germline.
Comment: This sequence change replaces aspartic acid, which is acidic and polar, with valine, which is neutral and non-polar, at codon 100 of the MED12 protein (p.Asp100Val). This variant is not present in population databases (gnomAD no frequency). This variant has not been reported in the literature in individuals affected with MED12-related conditions. Advanced modeling of protein sequence and biophysical properties (such as structural, functional, and spatial information, amino acid conservation, physicochemical variation, residue mobility, and thermodynamic stability) performed at Invitae indicates that this missense variant is expected to disrupt MED12 protein function. In summary, the available evidence is currently insufficient to determine the role of this variant in disease. Therefore, it has been classified as a Variant of Uncertain Significance.